The following is an entry in ClinVar:

ClinVar aggregate classification (germline): Likely benign (1 of 4 stars; one submission).

gnomAD v4.1: 1,308 of 1,613,732 alleles (0.081%); highest among the groups gnomAD compares: East Asian, 0.85%; 3 homozygotes.

Submission:

CeGaT Center for Human Genetics Tuebingen
Classification: Likely benign. Last evaluated: 2026-06-01. Review status: criteria provided, single submitter. Criteria: CeGaT Center For Human Genetics Tuebingen Variant Classification Criteria Version 2. Collection method: clinical testing. Allele origin: germline. Affected: yes. Observed: 1 variant allele.
Comment: LILRB5: BP4, BP7

NM_001081442.3(LILRB5):c.1743A>G (p.Glu581=)

Gene: LILRB5 (leukocyte immunoglobulin like receptor B5; minus strand). Cytogenetic location: 19q13.42.
Variant type: single nucleotide variant.
Coding change: c.1743A>G on transcript NM_001081442.3 (MANE Select); coding-DNA position 1743, A replaced by G.
Protein change: p.Glu581=; no amino-acid change (glutamic acid 581 retained).
Molecular consequence: synonymous variant.
Genome position (GRCh38, 1-based): chr19:54,250,819, T>C on the plus strand (A>G on the coding strand, the complement: LILRB5 is on the minus strand). VCF-style: chr19-54250819-T-C. GRCh37 (hg19) VCF-style: chr19-54754683-T-C.
Other names: c.1443A>G, p.Glu481= (NM_001081443.3); c.1953A>G, p.Glu651= (NM_001304457.3); c.1740A>G, p.Glu580= (NM_006840.5).
Identifiers: ClinVar variation 4872441 (VCV004872441.2).
Genomic context (GRCh38, chr19:54,250,819, plus strand): 5'-GAGTATGAGATCTGGGTCCCCCGTGGGCTAGTGGATGGCCAGGGGGGCGTAGATGCTGGG[T>C]TCAGCTGGAGGTTCCCTTTCCTGGGATGGAGGAGGCTCAGTTGCCTCCCGTCTGAGGGTC-3'
Protein context (NP_001074911.2, residues 571-591): PPSQEREPPA[Glu581=]PSIYAPLAIH